The following is an entry in ClinVar:

NM_002890.3(RASA1):c.1319del (p.Pro440fs)

Genes: CCNH (cyclin H; minus strand), RASA1 (RAS p21 protein activator 1; plus strand). Cytogenetic location: 5q14.3.
Variant type: Deletion.
Coding change: c.1319del on transcript NM_002890.3 (MANE Select); coding-DNA position 1319, one base deleted (C; older notation c.1319delC).
Protein change: p.Pro440fs; shifts the reading frame from proline 440.
Molecular consequence: frameshift variant. On other transcripts: intron variant (1).
Genome position (GRCh38, 1-based): chr5:87,353,222, C deleted; the last of 2 consecutive C bases (chr5:87,353,221-87,353,222); deleting either gives the same sequence. VCF-style (leftmost placement, unchanged base first): chr5-87353220-AC-A. GRCh37 (hg19) VCF-style: chr5-86649037-AC-A.
Other names: c.788del, p.Pro263fs (NM_022650.3); c.934-40426del (NM_001364075.2); short protein forms P263fs, P440fs.
Identifiers: ClinVar variation 1454971 (VCV001454971.7), dbSNP rs2112431809, ClinGen allele CA2573140077.

ClinVar aggregate classification (germline): Pathogenic (1 of 4 stars; one submission).

Conditions:
Capillary malformation-arteriovenous malformation syndrome. Also called: Capillary malformation-arteriovenous malformation. Identifiers: Orphanet 137667, MedGen C1842180, MONDO:0012016.

Submission:

Labcorp Genetics (formerly Invitae), Labcorp
Classification: Pathogenic for Capillary malformation-arteriovenous malformation syndrome. Last evaluated: 2022-07-28. Review status: criteria provided, single submitter. Criteria: Invitae Variant Classification Sherloc (09022015). Collection method: clinical testing. Allele origin: germline.
Comment: This sequence change creates a premature translational stop signal (p.Pro440Leufs*43) in the RASA1 gene. It is expected to result in an absent or disrupted protein product. Loss-of-function variants in RASA1 are known to be pathogenic (PMID: 24038909). This variant is not present in population databases (gnomAD no frequency). This variant has not been reported in the literature in individuals affected with RASA1-related conditions. ClinVar contains an entry for this variant (Variation ID: 1454971). For these reasons, this variant has been classified as Pathogenic.

Literature cited by the submitters: PubMed 24038909.